The following is an entry in ClinVar:

NM_001379500.1(COL18A1):c.928+4A>G

Gene: COL18A1 (collagen type XVIII alpha 1 chain; plus strand). Cytogenetic location: 21q22.3.
Variant type: single nucleotide variant.
Coding change: c.928+4A>G on transcript NM_001379500.1 (MANE Select); 4 bases into the intron after coding-DNA position 928, A replaced by G.
Molecular consequence: intron variant.
Genome position (GRCh38, 1-based): chr21:45,476,484, A>G. VCF-style: chr21-45476484-A-G. GRCh37 (hg19) VCF-style: chr21-46896398-A-G.
Other names: c.2173+4A>G (NM_130444.3); c.1468+4A>G (NM_030582.4).
Identifiers: ClinVar variation 2022153 (VCV002022153.4), dbSNP rs2035659508, ClinGen allele CA2580098872.

ClinVar aggregate classification (germline): Uncertain significance (1 of 4 stars; one submission).

Allele frequency attached by ClinVar (database versions not stated): gnomAD exomes below 0.00001.
gnomAD v4.1: 1 of 1,598,926 alleles (0.000063%); highest among the groups gnomAD compares: Non-Finnish European, 0.000085%; no homozygotes.

Submission:

Labcorp Genetics (formerly Invitae), Labcorp
Classification: Uncertain significance. Last evaluated: 2022-08-06. Review status: criteria provided, single submitter. Criteria: Invitae Variant Classification Sherloc (09022015). Collection method: clinical testing. Allele origin: germline.
Comment: This sequence change falls in intron 6 of the COL18A1 gene. It does not directly change the encoded amino acid sequence of the COL18A1 protein. It affects a nucleotide within the consensus splice site. In summary, the available evidence is currently insufficient to determine the role of this variant in disease. Therefore, it has been classified as a Variant of Uncertain Significance. Variants that disrupt the consensus splice site are a relatively common cause of aberrant splicing (PMID: 17576681, 9536098). Experimental studies and prediction algorithms are not available or were not evaluated, and the effect of this variant on mRNA splicing is currently unknown. This variant has not been reported in the literature in individuals affected with COL18A1-related conditions. This variant is not present in population databases (gnomAD no frequency).

Literature cited by the submitters: PubMed 17576681; PubMed 9536098.